The following is an entry in ClinVar:

NM_014000.3(VCL):c.584T>A (p.Met195Lys)

Gene: VCL (vinculin; plus strand). Cytogenetic location: 10q22.2.
Variant type: single nucleotide variant.
Coding change: c.584T>A on transcript NM_014000.3 (MANE Select); coding-DNA position 584, T replaced by A.
Protein change: p.Met195Lys; replaces methionine 195 with lysine.
Molecular consequence: missense variant.
Genome position (GRCh38, 1-based): chr10:74,072,814, T>A. VCF-style: chr10-74072814-T-A. GRCh37 (hg19) VCF-style: chr10-75832572-T-A.
Other names: c.584T>A, p.Met195Lys (NM_003373.4); short protein forms M195K.
Identifiers: ClinVar variation 1000862 (VCV001000862.7), dbSNP rs1841683400, ClinGen allele CA377268102.

ClinVar aggregate classification (germline): Uncertain significance (1 of 4 stars; one submission).

Conditions:
Dilated cardiomyopathy 1W (CMD1W). Identifiers: Orphanet 154, MedGen C1969639, MONDO:0012667, OMIM 611407.

Allele frequency attached by ClinVar (database versions not stated): gnomAD exomes below 0.00001; TOPMed below 0.00001.

Submission:

Labcorp Genetics (formerly Invitae), Labcorp
Classification: Uncertain significance for Dilated cardiomyopathy 1W. Last evaluated: 2024-10-22. Review status: criteria provided, single submitter. Criteria: Invitae Variant Classification Sherloc (09022015). Collection method: clinical testing. Allele origin: germline.
Comment: This sequence change replaces methionine, which is neutral and non-polar, with lysine, which is basic and polar, at codon 195 of the VCL protein (p.Met195Lys). This variant is not present in population databases (gnomAD no frequency). This variant has not been reported in the literature in individuals affected with VCL-related conditions. ClinVar contains an entry for this variant (Variation ID: 1000862). An algorithm developed to predict the effect of missense changes on protein structure and function (PolyPhen-2) suggests that this variant is likely to be disruptive. In summary, the available evidence is currently insufficient to determine the role of this variant in disease. Therefore, it has been classified as a Variant of Uncertain Significance.